The following is an entry in ClinVar:

NM_001130987.2(DYSF):c.3409G>A (p.Val1137Met)

Gene: DYSF (dysferlin; plus strand). Cytogenetic location: 2p13.2.
Variant type: single nucleotide variant.
Coding change: c.3409G>A on transcript NM_001130987.2 (MANE Select); coding-DNA position 3409, G replaced by A.
Protein change: p.Val1137Met; replaces valine 1137 with methionine.
Molecular consequence: missense variant.
Genome position (GRCh38, 1-based): chr2:71,589,599, G>A. VCF-style: chr2-71589599-G-A. GRCh37 (hg19) VCF-style: chr2-71816729-G-A.
Other names: c.3358G>A, p.Val1120Met (NM_001130455.2, NM_001130983.2); c.3313G>A, p.Val1105Met (NM_001130976.2, NM_001130977.2); c.3355G>A, p.Val1119Met (NM_001130978.2, NM_003494.4); c.3448G>A, p.Val1150Met (NM_001130979.2); c.3406G>A, p.Val1136Met (NM_001130980.2, NM_001130981.2); c.3451G>A, p.Val1151Met (NM_001130982.2); c.3316G>A, p.Val1106Met (NM_001130984.2, NM_001130986.2); c.3409G>A, p.Val1137Met (NM_001130985.2); short protein forms V1119M, V1137M, V1150M, V1151M, V1105M, V1136M, V1120M, V1106M.
Identifiers: ClinVar variation 282705 (VCV000282705.20), dbSNP rs144634077, ClinGen allele CA1706555.

ClinVar aggregate classification (germline): Conflicting classifications of pathogenicity. Review status: criteria provided, conflicting classifications (1 of 4 stars). 5 submissions from 5 submitters: Uncertain significance (4); Likely benign (1). Last evaluated 2026-01-26.

Conditions:
Autosomal recessive limb-girdle muscular dystrophy. Identifiers: Orphanet 102015, MedGen C2931907, MONDO:0015152.
Neuromuscular disease caused by qualitative or quantitative defects of dysferlin. Also called: Dysferlinopathy; Qualitative or quantitative defects of dysferlin. Identifiers: Orphanet 207073, MedGen C2931687, MONDO:0016145.

Allele frequency attached by ClinVar (database versions not stated): TOPMed 0.00005; ESP Exome Variant Server 0.00008; gnomAD exomes 0.00011 and 0.00015; ExAC 0.00013.
gnomAD v4.1: 171 of 1,613,944 alleles (0.011%); highest among the groups gnomAD compares: South Asian, 0.1%; 1 homozygote.

Submissions (5):

Labcorp Genetics (formerly Invitae), Labcorp
Classification: Likely benign for Neuromuscular disease caused by qualitative or quantitative defects of dysferlin. Last evaluated: 2026-01-26. Review status: criteria provided, single submitter. Criteria: Invitae Variant Classification Sherloc (09022015). Collection method: clinical testing. Allele origin: germline.

Myriad Genetics, Inc.
Classification: Uncertain significance for Autosomal recessive limb-girdle muscular dystrophy. Last evaluated: 2025-11-20. Review status: criteria provided, single submitter. Criteria: Myriad Autosomal Dominant, Autosomal Recessive and X-Linked Classification Criteria (2023). Collection method: clinical testing. Allele origin: unknown.
Comment: NM_003494.3(DYSF):c.3355G>A(V1119M) is a missense variant classified as a variant of uncertain significance in the context of dysferlinopathy. V1119M has been observed in a case with relevant disease (PMID: 39925440). Relevant functional assessments of this variant are not available in the literature. V1119M has been observed in referenced population frequency databases. In summary, there is insufficient evidence to classify NM_003494.3(DYSF):c.3355G>A(V1119M) as pathogenic or benign. Please note: this variant was assessed in the context of healthy population screening.

Revvity Omics, Revvity
Classification: Uncertain significance. Last evaluated: 2025-03-12. Review status: criteria provided, single submitter. Criteria: ACMG Guidelines, 2015. Collection method: clinical testing. Allele origin: germline.

Athena Diagnostics
Classification: Uncertain significance. Last evaluated: 2019-06-10. Review status: criteria provided, single submitter. Criteria: Athena Diagnostics Criteria. Collection method: clinical testing. Allele origin: germline.

Eurofins Ntd Llc (ga)
Classification: Uncertain significance. Last evaluated: 2015-08-28. Review status: criteria provided, single submitter. Criteria: EGL Classification Definitions 2015. Collection method: clinical testing. Allele origin: germline. Observed: 1 variant allele, 1 heterozygote.

Literature cited by the submitters: PubMed 39925440 (cited by Myriad Genetics, Inc.).